The following is an entry in ClinVar:

ClinVar aggregate classification (germline): Likely benign. Review status: criteria provided, multiple submitters, no conflicts (2 of 4 stars). 3 submissions from 3 submitters: Likely benign (3). Last evaluated 2025-05-04.

Conditions:
Inborn genetic diseases. Identifiers: MedGen C0950123, MeSH D030342.
Autosomal dominant childhood-onset proximal spinal muscular atrophy with contractures (SMALED2A). Also called: SPINAL MUSCULAR ATROPHY, LOWER EXTREMITY-PREDOMINANT, 2A, CHILDHOOD ONSET, AUTOSOMAL DOMINANT; Spinal muscular atrophy, lower extremity-predominant, 2A, autosomal dominant. Identifiers: Orphanet 363447, Orphanet 363454, MedGen C4747715, MONDO:0014121, OMIM 615290.

Allele frequency attached by ClinVar (database versions not stated): gnomAD 0.00001 and 0.00004; gnomAD exomes 0.00001 and 0.00004; ExAC 0.00006; TOPMed 0.00006; 1000 Genomes Project 30x 0.00047; 1000 Genomes Project 0.00060.
gnomAD v4.1: 22 of 1,604,428 alleles (0.0014%); highest among the groups gnomAD compares: East Asian, 0.034%; no homozygotes.

Submissions (3):

Labcorp Genetics (formerly Invitae), Labcorp
Classification: Likely benign for Autosomal dominant childhood-onset proximal spinal muscular atrophy with contractures. Last evaluated: 2025-05-04. Review status: criteria provided, single submitter. Criteria: Invitae Variant Classification Sherloc (09022015). Collection method: clinical testing. Allele origin: germline.

Ambry Genetics
Classification: Likely benign for Inborn genetic diseases. Last evaluated: 2019-07-11. Review status: criteria provided, single submitter. Criteria: Ambry Variant Classification Scheme 2023. Collection method: clinical testing. Allele origin: germline.

GeneDx
Classification: Likely benign. Last evaluated: 2016-06-08. Review status: criteria provided, single submitter. Criteria: GeneDx Variant Classification (06012015). Collection method: clinical testing. Allele origin: germline. Affected: yes.
Comment: This variant is considered likely benign or benign based on one or more of the following criteria: it is a conservative change, it occurs at a poorly conserved position in the protein, it is predicted to be benign by multiple in silico algorithms, and/or has population frequency not consistent with disease.

NM_001003800.2(BICD2):c.2307G>A (p.Ala769=)

Gene: BICD2 (BICD cargo adaptor 2; minus strand). Cytogenetic location: 9q22.31.
Variant type: single nucleotide variant.
Coding change: c.2307G>A on transcript NM_001003800.2 (MANE Select); coding-DNA position 2307, G replaced by A.
Protein change: p.Ala769=; no amino-acid change (alanine 769 retained).
Molecular consequence: synonymous variant.
Genome position (GRCh38, 1-based): chr9:92,715,415, C>T on the plus strand (G>A on the coding strand, the complement: BICD2 is on the minus strand). VCF-style: chr9-92715415-C-T. GRCh37 (hg19) VCF-style: chr9-95477697-C-T.
Other names: c.2307G>A, p.Ala769= (NM_015250.4).
Identifiers: ClinVar variation 386459 (VCV000386459.12), dbSNP rs573705109, ClinGen allele CA5126330.